The following is an entry in ClinVar:

ClinVar aggregate classification (germline): Uncertain significance (1 of 4 stars; one submission).

Conditions:
GLUD1-related disorder. Also called: GLUD1-related condition.

Submission:

PreventionGenetics, part of Exact Sciences
Classification: Uncertain significance for GLUD1-related condition. Last evaluated: 2022-12-07. Review status: criteria provided, single submitter. Criteria: ACMG Guidelines, 2015. Collection method: clinical testing. Allele origin: germline.
Comment: The GLUD1 c.445+2_445+4dupTGA variant is predicted to result in an intronic duplication. This variant is predicted to weaken the canonical splice donor site based on available splicing prediction programs (Alamut Visual v1.6.1). However, such computer prediction programs are imperfect. To our knowledge, this variant has not been reported in the literature or in a large population database, indicating this variant is rare. At this time, the clinical significance of this variant is uncertain due to the absence of conclusive functional and genetic evidence.

NM_005271.5(GLUD1):c.445+2_445+4dup

Genes: GLUD1 (glutamate dehydrogenase 1; minus strand), LOC130004254 (ATAC-STARR-seq lymphoblastoid silent region 2576; plus strand). Cytogenetic location: 10q23.2.
Variant type: Duplication.
Coding change: c.445+2_445+4dup on transcript NM_005271.5 (MANE Select); the canonical splice donor site of the intron after coding-DNA position 445 through 4 bases into the intron after coding-DNA position 445, 3 bases duplicated (TGA; older notation c.445+2_445+4dupTGA).
Molecular consequence: splice donor variant.
Genome position (GRCh38, 1-based): chr10:87,094,321-87,094,323, TCA duplicated on the plus strand (TGA on the coding strand, the reverse complement: GLUD1 is on the minus strand). VCF-style (leftmost placement, unchanged base first): chr10-87094320-C-CTCA. GRCh37 (hg19) VCF-style: chr10-88854077-C-CTCA.
Other names: c.-117+2_-117+4dup (NM_001318906.2); c.-284+2_-284+4dup (NM_001318904.2); c.-410+2_-410+4dup (NM_001318905.2).
Identifiers: ClinVar variation 2635248 (VCV002635248.1), dbSNP rs2539924226, ClinGen allele CA2695200913.